The following is an entry in ClinVar:

NM_013275.6(ANKRD11):c.7564G>A (p.Glu2522Lys)

Gene: ANKRD11 (ankyrin repeat domain 11; minus strand). Cytogenetic location: 16q24.3.
Variant type: single nucleotide variant.
Coding change: c.7564G>A on transcript NM_013275.6 (MANE Select); coding-DNA position 7564, G replaced by A.
Protein change: p.Glu2522Lys; replaces glutamic acid 2522 with lysine.
Molecular consequence: missense variant.
Genome position (GRCh38, 1-based): chr16:89,275,098, C>T on the plus strand (G>A on the coding strand, the complement: ANKRD11 is on the minus strand). VCF-style: chr16-89275098-C-T. GRCh37 (hg19) VCF-style: chr16-89341506-C-T.
Other names: NP_037407.4:p.(Glu2522Lys); c.7564G>A, p.Glu2522Lys (NM_001256182.2, NM_001256183.2); c.7564G>A (NM_013275.5, NM_013275.4); short protein forms E2522K.
Identifiers: ClinVar variation 981744 (VCV000981744.6), dbSNP rs2033533123, ClinGen allele CA397147787.

ClinVar aggregate classification (germline): Conflicting classifications of pathogenicity. Review status: criteria provided, conflicting classifications (1 of 4 stars). 4 submissions from 4 submitters: Likely pathogenic (1); Uncertain significance (2). 1 of the submissions does not count toward it. Last evaluated 2026-07-05.

Conditions:
KBG syndrome (KBGS). Also called: ANKRD11-Related KBG Syndrome. Identifiers: Orphanet 2332, MedGen C0220687, MONDO:0007846, OMIM 148050.

Submissions (4):

Umrani?ye Training and Research Hospital
Classification: Uncertain significance for KBG syndrome. Last evaluated: 2026-07-05. Review status: criteria provided, single submitter. Criteria: ACMG Guidelines, 2015. Collection method: clinical testing. Allele origin: germline. Inheritance: Autosomal dominant inheritance. Affected: yes.
Comment: PM1 (degron), PM2, PP3; ClinVar CONFLICTING - AUTHOR to reconcile before submission

GeneDx
Classification: Likely pathogenic. Last evaluated: 2024-10-25. Review status: criteria provided, single submitter. Criteria: GeneDx Variant Classification Process June 2021. Collection method: clinical testing. Allele origin: germline. Affected: yes.
Comment: Not observed at significant frequency in large population cohorts (gnomAD); In silico analysis supports that this missense variant has a deleterious effect on protein structure/function; This variant is associated with the following publications: (PMID: 35982159, 35833929, 33057194)

Laboratorio de Genetica e Diagnostico Molecular, Hospital Israelita Albert Einstein
Classification: Uncertain significance for KBG syndrome. Last evaluated: 2022-09-23. Review status: criteria provided, single submitter. Criteria: ACMG Guidelines, 2015. Collection method: clinical testing. Allele origin: germline. Affected: yes.
Comment: ACMG classification criteria: PM2 moderated, BP4 supporting

Autoinflammatory diseases unit, CHU de Montpellier
Classification: Likely pathogenic for KBG syndrome. Last evaluated: 2017-03-13. Review status: no assertion criteria provided. Collection method: clinical testing. Allele origin: de novo. Affected: yes. Not counted in ClinVar's aggregate classification.

Literature cited by the submitters: PubMed 42808190 (cited by Umrani?ye Training and Research Hospital).